The following is an entry in ClinVar:

ClinVar aggregate classification (germline): Likely benign (1 of 4 stars; one submission).

Submission:

GeneDx
Classification: Likely benign. Last evaluated: 2016-02-03. Review status: criteria provided, single submitter. Criteria: GeneDx Variant Classification (06012015). Collection method: clinical testing. Allele origin: germline. Affected: yes.
Comment: This variant is considered likely benign or benign based on one or more of the following criteria: it is a conservative change, it occurs at a poorly conserved position in the protein, it is predicted to be benign by multiple in silico algorithms, and/or has population frequency not consistent with disease.

NM_000465.4(BARD1):c.-15dup

Gene: BARD1 (BRCA1 associated RING domain 1; minus strand). Cytogenetic location: 2q35.
Variant type: Duplication.
Coding change: c.-15dup on transcript NM_000465.4 (MANE Select); 15 bases upstream of the start codon, one base duplicated (T; older notation c.-15dupT).
Molecular consequence: 5 prime UTR variant. On other transcripts: non-coding transcript variant (3).
Genome position (GRCh38, 1-based): chr2:214,809,584, A duplicated on the plus strand (T on the coding strand, the reverse complement: BARD1 is on the minus strand). VCF-style (leftmost placement, unchanged base first): chr2-214809583-G-GA. GRCh37 (hg19) VCF-style: chr2-215674307-G-GA.
Other names: c.-15dup (NM_001282543.2, NM_001282545.2, NM_001282548.2 and 1 more transcripts).
Identifiers: ClinVar variation 420464 (VCV000420464.1), dbSNP rs1553628512, ClinGen allele CA16617464.